The following is an entry in ClinVar:

ClinVar aggregate classification (germline): Uncertain significance. Review status: criteria provided, multiple submitters, no conflicts (2 of 4 stars). 2 submissions from 2 submitters: Uncertain significance (2). Last evaluated 2023-03-30.

Allele frequency attached by ClinVar (database versions not stated): gnomAD exomes below 0.00001; TOPMed below 0.00001; gnomAD 0.00001.
gnomAD v4.1: 6 of 1,613,642 alleles (0.00037%); highest among the groups gnomAD compares: Non-Finnish European, 0.00051%; no homozygotes.

Submissions (2):

GeneDx
Classification: Uncertain significance. Last evaluated: 2023-03-30. Review status: criteria provided, single submitter. Criteria: GeneDx Variant Classification Process June 2021. Collection method: clinical testing. Allele origin: germline. Affected: yes.
Comment: Not observed at significant frequency in large population cohorts (gnomAD); In silico analysis supports that this missense variant has a deleterious effect on protein structure/function; Has not been previously published as pathogenic or benign to our knowledge

Labcorp Genetics (formerly Invitae), Labcorp
Classification: Uncertain significance. Last evaluated: 2021-09-17. Review status: criteria provided, single submitter. Criteria: Invitae Variant Classification Sherloc (09022015). Collection method: clinical testing. Allele origin: germline.
Comment: This sequence change replaces valine with aspartic acid at codon 581 of the MME protein (p.Val581Asp). The valine residue is highly conserved and there is a large physicochemical difference between valine and aspartic acid. This variant is not present in population databases (ExAC no frequency). This variant has not been reported in the literature in individuals with MME-related conditions. Algorithms developed to predict the effect of missense changes on protein structure and function (SIFT, PolyPhen-2, Align-GVGD) all suggest that this variant is likely to be disruptive, but these predictions have not been confirmed by published functional studies and their clinical significance is uncertain. In summary, the available evidence is currently insufficient to determine the role of this variant in disease. Therefore, it has been classified as a Variant of Uncertain Significance.

NM_007289.4(MME):c.1742T>A (p.Val581Asp)

Gene: MME (membrane metalloendopeptidase; plus strand). Cytogenetic location: 3q25.2.
Variant type: single nucleotide variant.
Coding change: c.1742T>A on transcript NM_007289.4 (MANE Select); coding-DNA position 1742, T replaced by A.
Protein change: p.Val581Asp; replaces valine 581 with aspartic acid.
Molecular consequence: missense variant.
Genome position (GRCh38, 1-based): chr3:155,166,983, T>A. VCF-style: chr3-155166983-T-A. GRCh37 (hg19) VCF-style: chr3-154884772-T-A.
Other names: c.1742T>A, p.Val581Asp (NM_000902.5, NM_001354642.2, NM_001354643.1 and 2 more transcripts); short protein forms V581D.
Identifiers: ClinVar variation 1308412 (VCV001308412.7), dbSNP rs1173566915, ClinGen allele CA355218264.